The following is an entry in ClinVar:

ClinVar aggregate classification (germline): Uncertain significance (1 of 4 stars; one submission).

Conditions:
Spermatogenic failure 18. Identifiers: MedGen C4539783, MONDO:0054615, OMIM 617576.
Ciliary dyskinesia, primary, 37 (CILD37). Also called: CILIARY DYSKINESIA, PRIMARY, 37, WITH OR WITHOUT SITUS INVERSUS. Identifiers: MedGen C4539798, MONDO:0033204, OMIM 617577.

Allele frequency attached by ClinVar (database versions not stated): gnomAD 0.00001; TOPMed 0.00001.
gnomAD v4.1: 10 of 1,541,736 alleles (0.00065%); highest among the groups gnomAD compares: East Asian, 0.0025%; no homozygotes.

Submission:

Labcorp Genetics (formerly Invitae), Labcorp
Classification: Uncertain significance for Ciliary dyskinesia, primary, 37; Spermatogenic failure 18. Last evaluated: 2023-02-04. Review status: criteria provided, single submitter. Criteria: Invitae Variant Classification Sherloc (09022015). Collection method: clinical testing. Allele origin: germline.
Comment: In summary, the available evidence is currently insufficient to determine the role of this variant in disease. Therefore, it has been classified as a Variant of Uncertain Significance. Advanced modeling of protein sequence and biophysical properties (such as structural, functional, and spatial information, amino acid conservation, physicochemical variation, residue mobility, and thermodynamic stability) performed at Invitae indicates that this missense variant is not expected to disrupt DNAH1 protein function. This variant has not been reported in the literature in individuals affected with DNAH1-related conditions. The frequency data for this variant in the population databases is considered unreliable, as metrics indicate poor data quality at this position in the gnomAD database. This sequence change replaces glycine, which is neutral and non-polar, with arginine, which is basic and polar, at codon 3195 of the DNAH1 protein (p.Gly3195Arg).

NM_015512.5(DNAH1):c.9583G>A (p.Gly3195Arg)

Gene: DNAH1 (dynein axonemal heavy chain 1; plus strand). Cytogenetic location: 3p21.1.
Variant type: single nucleotide variant.
Coding change: c.9583G>A on transcript NM_015512.5 (MANE Select); coding-DNA position 9583, G replaced by A.
Protein change: p.Gly3195Arg; replaces glycine 3195 with arginine.
Molecular consequence: missense variant.
Genome position (GRCh38, 1-based): chr3:52,389,548, G>A. VCF-style: chr3-52389548-G-A. GRCh37 (hg19) VCF-style: chr3-52423564-G-A.
Other names: short protein forms G3195R.
Identifiers: ClinVar variation 2924136 (VCV002924136.2), dbSNP rs868500538, ClinGen allele CA353196240.